The following is an entry in ClinVar:

ClinVar aggregate classification (germline): Pathogenic. Review status: criteria provided, multiple submitters, no conflicts (2 of 4 stars). 2 submissions from 2 submitters: Pathogenic (2). Last evaluated 2024-11-19.

Conditions:
Ataxia-telangiectasia-like disorder (ATLD). Identifiers: MedGen C1858391, MONDO:0011457.
Hereditary cancer-predisposing syndrome. Also called: Hereditary Cancer Syndrome; Neoplastic Syndromes, Hereditary; Tumor predisposition; Hereditary neoplastic syndrome. Identifiers: Orphanet 140162, MedGen C0027672, MeSH D009386, MONDO:0015356.

Submissions (2):

Ambry Genetics
Classification: Pathogenic for Hereditary cancer-predisposing syndrome. Last evaluated: 2024-11-19. Review status: criteria provided, single submitter. Criteria: Ambry Variant Classification Scheme 2023. Collection method: clinical testing. Allele origin: germline.
Comment: The c.163_167delATTTT pathogenic mutation, located in coding exon 3 of the MRE11A gene, results from a deletion of 5 nucleotides at nucleotide positions 163 to 167, causing a translational frameshift with a predicted alternate stop codon (p.I55Vfs*4). This alteration is expected to result in loss of function by premature protein truncation or nonsense-mediated mRNA decay. This variant is considered to be rare based on population cohorts in the Genome Aggregation Database (gnomAD). As such, this alteration is interpreted as a disease-causing mutation.

Labcorp Genetics (formerly Invitae), Labcorp
Classification: Pathogenic for Ataxia-telangiectasia-like disorder. Last evaluated: 2023-07-10. Review status: criteria provided, single submitter. Criteria: Invitae Variant Classification Sherloc (09022015). Collection method: clinical testing. Allele origin: germline.
Comment: This sequence change creates a premature translational stop signal (p.Ile55Valfs*4) in the MRE11 gene. It is expected to result in an absent or disrupted protein product. Loss-of-function variants in MRE11 are known to be pathogenic (PMID: 23080121, 23912341). This variant is not present in population databases (gnomAD no frequency). This variant has not been reported in the literature in individuals affected with MRE11-related conditions. Algorithms developed to predict the effect of sequence changes on RNA splicing suggest that this variant may disrupt the consensus splice site. For these reasons, this variant has been classified as Pathogenic.

Literature cited by the submitters: PubMed 23080121 (cited by Labcorp Genetics (formerly Invitae), Labcorp); PubMed 23912341 (cited by Labcorp Genetics (formerly Invitae), Labcorp).

NM_005591.4(MRE11):c.163_167del (p.Ile55fs)

Gene: MRE11 (MRE11 double strand break repair nuclease; minus strand). Cytogenetic location: 11q21.
Variant type: Microsatellite.
Coding change: c.163_167del on transcript NM_005591.4 (MANE Select); coding-DNA positions 163 to 167, 5 bases deleted (ATTTT; older notation c.163_167delATTTT).
Protein change: p.Ile55fs; shifts the reading frame from isoleucine 55.
Molecular consequence: frameshift variant.
Genome position (GRCh38, 1-based): chr11:94,486,071-94,486,075, AAAAT deleted on the plus strand (ATTTT on the coding strand, the reverse complement: MRE11 is on the minus strand); deleting any 5 consecutive bases within chr11:94,486,071-94,486,080 gives the same sequence; the c. name uses the placement nearest the transcript's 3' end. VCF-style (leftmost placement, unchanged base first): chr11-94486070-CAAAAT-C. GRCh37 (hg19) VCF-style: chr11-94219236-CAAAAT-C.
Other names: c.163_167delATTTT (NM_005591.3); c.163_167del, p.Ile55fs (NM_001330347.2, NM_005590.4); c.158_162ATTTT[1], p.Ile55Valfs (NM_005591.3); short protein forms I55fs.
Identifiers: ClinVar variation 2799071 (VCV002799071.4), dbSNP rs745766916, ClinGen allele CA6235444.